The following is an entry in ClinVar:

ClinVar aggregate classification (germline): Likely benign (1 of 4 stars; one submission).

Allele frequency attached by ClinVar (database versions not stated): 1000 Genomes Project 30x 0.00047.

Submission:

CeGaT Center for Human Genetics Tuebingen
Classification: Likely benign. Last evaluated: 2022-11-01. Review status: criteria provided, single submitter. Criteria: CeGaT Center For Human Genetics Tuebingen Variant Classification Criteria Version 2. Collection method: clinical testing. Allele origin: germline. Affected: yes. Observed: 1 variant allele.
Comment: MUC12: BP4, BS2

NM_001164462.2(MUC12):c.3494G>A (p.Arg1165Gln)

Gene: MUC12 (mucin 12, cell surface associated; plus strand). Cytogenetic location: 7q22.1.
Variant type: single nucleotide variant.
Coding change: c.3494G>A on transcript NM_001164462.2 (MANE Select); coding-DNA position 3494, G replaced by A.
Protein change: p.Arg1165Gln; replaces arginine 1165 with glutamine.
Molecular consequence: missense variant.
Genome position (GRCh38, 1-based): chr7:100,994,057, G>A. VCF-style: chr7-100994057-G-A. GRCh37 (hg19) VCF-style: chr7-100637338-G-A.
Other names: short protein forms R1165Q.
Identifiers: ClinVar variation 2657808 (VCV002657808.24), dbSNP rs76001002, ClinGen allele CA4399499.